The following is an entry in ClinVar:

NM_000384.3(APOB):c.8558A>T (p.Lys2853Ile)

Gene: APOB (apolipoprotein B; minus strand). Cytogenetic location: 2p24.1.
Variant type: single nucleotide variant.
Coding change: c.8558A>T on transcript NM_000384.3 (MANE Select); coding-DNA position 8558, A replaced by T.
Protein change: p.Lys2853Ile; replaces lysine 2853 with isoleucine.
Molecular consequence: missense variant.
Genome position (GRCh38, 1-based): chr2:21,008,310, T>A on the plus strand (A>T on the coding strand, the complement: APOB is on the minus strand). VCF-style: chr2-21008310-T-A. GRCh37 (hg19) VCF-style: chr2-21231182-T-A.
Other names: short protein forms K2853I.
Identifiers: ClinVar variation 1763835 (VCV001763835.3), dbSNP rs2465365585, ClinGen allele CA345993865.
Genomic context (GRCh38, chr2:21,008,310, plus strand): 5'-ACTCCATTACTAAGCTCCAGTGTATTTTTTTCTGTGTGTAAACTTGCCACTGTGTTTGAT[T>A]TTCCCTCAATAGCATTTCCAAAAAACAGCATTTCACTCCCATGCTCCGTTCTCAGGTACT-3'
Protein context (NP_000375.3, residues 2843-2863): MLFFGNAIEG[Lys2853Ile]SNTVASLHTE

ClinVar aggregate classification (germline): Uncertain significance (1 of 4 stars; one submission).

Conditions:
Cardiovascular phenotype. Identifiers: MedGen CN230736.

Submission:

Ambry Genetics
Classification: Uncertain significance for Cardiovascular phenotype. Last evaluated: 2025-04-02. Review status: criteria provided, single submitter. Criteria: Ambry Variant Classification Scheme 2023. Collection method: clinical testing. Allele origin: germline.
Comment: The p.K2853I variant (also known as c.8558A>T), located in coding exon 26 of the APOB gene, results from an A to T substitution at nucleotide position 8558. The lysine at codon 2853 is replaced by isoleucine, an amino acid with dissimilar properties. This amino acid position is conserved. In addition, this alteration is predicted to be tolerated by in silico analysis. Since supporting evidence is limited at this time, the clinical significance of this alteration remains unclear.